The following is an entry in ClinVar:

NM_138420.4(AHNAK2):c.8655C>T (p.His2885=)

Gene: AHNAK2 (AHNAK nucleoprotein 2; minus strand). Cytogenetic location: 14q32.33.
Variant type: single nucleotide variant.
Coding change: c.8655C>T on transcript NM_138420.4 (MANE Select); coding-DNA position 8655, C replaced by T.
Protein change: p.His2885=; no amino-acid change (histidine 2885 retained).
Molecular consequence: synonymous variant.
Genome position (GRCh38, 1-based): chr14:104,946,796, G>A on the plus strand (C>T on the coding strand, the complement: AHNAK2 is on the minus strand). VCF-style: chr14-104946796-G-A. GRCh37 (hg19) VCF-style: chr14-105413133-G-A.
Other names: c.8355C>T, p.His2785= (NM_001350929.2).
Identifiers: ClinVar variation 2644694 (VCV002644694.24), dbSNP rs190699492, ClinGen allele CA7379972.

ClinVar aggregate classification (germline): Likely benign (1 of 4 stars; one submission).

Allele frequency attached by ClinVar (database versions not stated): 1000 Genomes Project 0.00060; 1000 Genomes Project 30x 0.00094; ESP Exome Variant Server 0.00558.
gnomAD v4.1: 10,580 of 1,612,610 alleles (0.66%); highest among the groups gnomAD compares: Non-Finnish European, 0.79%; 57 homozygotes.

Submission:

CeGaT Center for Human Genetics Tuebingen
Classification: Likely benign. Last evaluated: 2023-04-01. Review status: criteria provided, single submitter. Criteria: CeGaT Center For Human Genetics Tuebingen Variant Classification Criteria Version 2. Collection method: clinical testing. Allele origin: germline. Affected: yes. Observed: 7 variant alleles.
Comment: AHNAK2: BP4, BP7, BS2